The following is an entry in ClinVar:

NM_001035.3(RYR2):c.14869T>A (p.Cys4957Ser)

Gene: RYR2 (ryanodine receptor 2; plus strand). Cytogenetic location: 1q43.
Variant type: single nucleotide variant.
Coding change: c.14869T>A on transcript NM_001035.3 (MANE Select); coding-DNA position 14869, T replaced by A.
Protein change: p.Cys4957Ser; replaces cysteine 4957 with serine.
Molecular consequence: missense variant.
Genome position (GRCh38, 1-based): chr1:237,832,612, T>A. VCF-style: chr1-237832612-T-A. GRCh37 (hg19) VCF-style: chr1-237995912-T-A.
Other names: p.C4957S:TGC>AGC; c.14869T>A, p.Cys4957Ser (LRG_402t1); short protein forms C4957S.
Identifiers: ClinVar variation 201364 (VCV000201364.17), dbSNP rs758500988, ClinGen allele CA008441.
Genomic context (GRCh38, chr1:237,832,612, plus strand): 5'-GAATCTTATGTCTGGAAGATGTATCAAGAAAGGTGTTGGGAATTTTTCCCAGCAGGGGAT[T>A]GCTTCCGGAAACAGTATGAAGACCAGCTAAATTAAACTCAGACCCAATCACCTCTAAAAA-3'
Protein context (NP_001026.2, residues 4947-4967): RCWEFFPAGD[Cys4957Ser]FRKQYEDQLN

ClinVar aggregate classification (germline): Uncertain significance. Review status: criteria provided, multiple submitters, no conflicts (2 of 4 stars). 6 submissions from 6 submitters: Uncertain significance (6). Last evaluated 2026-01-05.

Conditions:
Cardiovascular phenotype. Identifiers: MedGen CN230736.
Catecholaminergic polymorphic ventricular tachycardia (CVPT). Also called: Catecholamine-induced polymorphic ventricular tachycardia. Identifiers: Orphanet 3286, MedGen C5574922, MONDO:0017990.
Cardiomyopathy (CMYO). Also called: Cardiomyopathies. Identifiers: Orphanet 167848, MedGen C0878544, MONDO:0004994, HP:0001638. Inheritance: Various modes of inheritance.
Catecholaminergic polymorphic ventricular tachycardia 1. Also called: RYR2-Related Catecholaminergic Polymorphic Ventricular Tachycardia; VENTRICULAR TACHYCARDIA, CATECHOLAMINERGIC POLYMORPHIC, 1, WITH OR WITHOUT ATRIAL DYSFUNCTION AND/OR DILATED CARDIOMYOPATHY; VENTRICULAR TACHYCARDIA, STRESS-INDUCED POLYMORPHIC 1. Identifiers: Orphanet 3286, MedGen C1631597, MONDO:0011484, OMIM 604772.

Allele frequency attached by ClinVar (database versions not stated): gnomAD exomes below 0.00001 and 0.00001; ExAC 0.00001.
gnomAD v4.1: 2 of 1,612,598 alleles (0.00012%); highest among the groups gnomAD compares: Non-Finnish European, 0.00017%; no homozygotes.

Submissions (6):

Labcorp Genetics (formerly Invitae), Labcorp
Classification: Uncertain significance for Catecholaminergic polymorphic ventricular tachycardia 1. Last evaluated: 2026-01-05. Review status: criteria provided, single submitter. Criteria: Invitae Variant Classification Sherloc (09022015). Collection method: clinical testing. Allele origin: germline.
Comment: This sequence change replaces cysteine, which is neutral and slightly polar, with serine, which is neutral and polar, at codon 4957 of the RYR2 protein (p.Cys4957Ser). This variant is present in population databases (rs758500988, gnomAD 0.002%). This variant has not been reported in the literature in individuals affected with RYR2-related conditions. ClinVar contains an entry for this variant (Variation ID: 201364). Invitae Evidence Modeling of protein sequence and biophysical properties (such as structural, functional, and spatial information, amino acid conservation, physicochemical variation, residue mobility, and thermodynamic stability) indicates that this missense variant is expected to disrupt RYR2 protein function with a positive predictive value of 95%. In summary, the available evidence is currently insufficient to determine the role of this variant in disease. Therefore, it has been classified as a Variant of Uncertain Significance.

GeneDx
Classification: Uncertain significance. Last evaluated: 2024-12-03. Review status: criteria provided, single submitter. Criteria: GeneDx Variant Classification Process June 2021. Collection method: clinical testing. Allele origin: germline. Affected: yes.
Comment: Not observed at significant frequency in large population cohorts (gnomAD); In silico analysis supports that this missense variant has a deleterious effect on protein structure/function; Has not been previously published as pathogenic or benign to our knowledge; Located in one of the three hot-spot regions of the RYR2 gene, where the majority of pathogenic missense variants occur (PMID: 19926015); This variant is associated with the following publications: (PMID: 19926015)

All of Us Research Program, National Institutes of Health
Classification: Uncertain significance for Catecholaminergic polymorphic ventricular tachycardia. Last evaluated: 2024-08-13. Review status: criteria provided, single submitter. Criteria: ACMG Guidelines, 2015. Collection method: clinical testing. Allele origin: germline. Inheritance: Autosomal dominant inheritance. Observed: 2 variant alleles, 2 heterozygotes.
Comment: This missense variant replaces cysteine with serine at codon 4957 of the RYR2 protein. Computational prediction suggests that this variant may have deleterious impact on protein structure and function (internally defined REVEL score threshold >= 0.7, PMID: 27666373). Splice site prediction tools suggest that this variant may not impact RNA splicing. To our knowledge, functional studies have not been reported for this variant. This variant has not been reported in individuals affected with cardiovascular disorders in the literature. This variant has been identified in 2/248658 chromosomes in the general population by the Genome Aggregation Database (gnomAD). The available evidence is insufficient to determine the role of this variant in disease conclusively. Therefore, this variant is classified as a Variant of Uncertain Significance.

This study involves interpretation of variants in research participants for the purpose of population health screening. Participant phenotype was not available at the time of variant classification. Additional details can be found in publication PMID: 35346344, PMCID: PMC8962531

Color Diagnostics, LLC DBA Color Health
Classification: Uncertain significance for Cardiomyopathy. Last evaluated: 2024-07-31. Review status: criteria provided, single submitter. Criteria: ACMG Guidelines, 2015. Collection method: clinical testing. Allele origin: germline.
Comment: This missense variant replaces cysteine with serine at codon 4957 of the RYR2 protein. Computational prediction suggests that this variant may have deleterious impact on protein structure and function. To our knowledge, functional studies have not been reported for this variant. This variant has not been reported in individuals affected with cardiovascular disorders in the literature. This variant has been identified in 2/248658 chromosomes in the general population by the Genome Aggregation Database (gnomAD). The available evidence is insufficient to determine the role of this variant in disease conclusively. Therefore, this variant is classified as a Variant of Uncertain Significance.

AiLife Diagnostics
Classification: Uncertain significance. Last evaluated: 2021-12-29. Review status: criteria provided, single submitter. Criteria: ACMG Guidelines, 2015. Collection method: clinical testing. Allele origin: germline. Affected: yes. Observed: 3 variant alleles.

Ambry Genetics
Classification: Uncertain significance for Cardiovascular phenotype. Last evaluated: 2020-02-27. Review status: criteria provided, single submitter. Criteria: Ambry Variant Classification Scheme 2023. Collection method: clinical testing. Allele origin: germline.
Comment: The p.C4957S variant (also known as c.14869T>A), located in coding exon 105 of the RYR2 gene, results from a T to A substitution at nucleotide position 14869. The cysteine at codon 4957 is replaced by serine, an amino acid with dissimilar properties. This amino acid position is highly conserved in available vertebrate species. In addition, this alteration is predicted to be deleterious by in silico analysis. Since supporting evidence is limited at this time, the clinical significance of this alteration remains unclear.